The following is an entry in ClinVar:

NM_001199267.2(DGKZ):c.2339G>A (p.Arg780Gln)

Gene: DGKZ (diacylglycerol kinase zeta; plus strand). Cytogenetic location: 11p11.2.
Variant type: single nucleotide variant.
Coding change: c.2339G>A on transcript NM_001199267.2 (MANE Select); coding-DNA position 2339, G replaced by A.
Protein change: p.Arg780Gln; replaces arginine 780 with glutamine.
Molecular consequence: missense variant.
Genome position (GRCh38, 1-based): chr11:46,377,212, G>A. VCF-style: chr11-46377212-G-A. GRCh37 (hg19) VCF-style: chr11-46398762-G-A.
Other names: c.2342G>A, p.Arg781Gln (NM_001199266.2, NM_003646.4); c.2273G>A, p.Arg758Gln (NM_001199268.2); c.2906G>A, p.Arg969Gln (NM_001105540.2); c.2390G>A, p.Arg797Gln (NM_201532.3); c.2354G>A, p.Arg785Gln (NM_201533.3); short protein forms R758Q, R785Q, R969Q, R780Q, R797Q, R781Q.
Identifiers: ClinVar variation 3725797 (VCV003725797.2).
Genomic context (GRCh38, chr11:46,377,212, plus strand): 5'-GGCCTGACCTCCCAACCCCCACTTCCCCTCTCCCCACCTCACCCTGCTCACCCACGCCCC[G>A]GTGAGTCCTGGTGTCCCGTCCCTCCAGCCCCTGGCTTTCAGCCCCACCTGTAAGCCGATG-3'
Protein context (NP_001186196.1, residues 770-790): LPTSPCSPTP[Arg780Gln]SLQGDAAPPQ

ClinVar aggregate classification (germline): Uncertain significance (1 of 4 stars; one submission).

gnomAD v4.1: 22 of 1,582,002 alleles (0.0014%); highest among the groups gnomAD compares: South Asian, 0.0035%; no homozygotes.

Submission:

Labcorp Genetics (formerly Invitae), Labcorp
Classification: Uncertain significance. Last evaluated: 2024-08-22. Review status: criteria provided, single submitter. Criteria: Invitae Variant Classification Sherloc (09022015). Collection method: clinical testing. Allele origin: germline.
Comment: This sequence change replaces arginine, which is basic and polar, with glutamine, which is neutral and polar, at codon 969 of the DGKZ protein (p.Arg969Gln). This variant also falls at the last nucleotide of exon 26, which is part of the consensus splice site for this exon. The frequency data for this variant in the population databases is considered unreliable, as metrics indicate poor data quality at this position in the gnomAD database. This variant has not been reported in the literature in individuals affected with DGKZ-related conditions. An algorithm developed to predict the effect of missense changes on protein structure and function (PolyPhen-2) suggests that this variant is likely to be tolerated. Variants that disrupt the consensus splice site are a relatively common cause of aberrant splicing (PMID: 17576681, 9536098). Algorithms developed to predict the effect of sequence changes on RNA splicing suggest that this variant may disrupt the consensus splice site. In summary, the available evidence is currently insufficient to determine the role of this variant in disease. Therefore, it has been classified as a Variant of Uncertain Significance.

Literature cited by the submitters: PubMed 17576681; PubMed 9536098.